The following is an entry in ClinVar:

ClinVar aggregate classification (germline): Uncertain significance (1 of 4 stars; one submission).

Submission:

GeneDx
Classification: Uncertain significance. Last evaluated: 2025-01-09. Review status: criteria provided, single submitter. Criteria: GeneDx Variant Classification Process June 2021. Collection method: clinical testing. Allele origin: germline. Affected: yes.
Comment: Not observed at significant frequency in large population cohorts (gnomAD); Missense variant in a gene in which most reported pathogenic variants are truncating/loss of function; Has not been previously published as pathogenic or benign to our knowledge; This variant is associated with the following publications: (PMID: 23975875)

NM_001267550.2(TTN):c.61269A>T (p.Lys20423Asn)

Genes: TTN (titin; minus strand), TTN-AS1 (TTN antisense RNA 1; plus strand). Cytogenetic location: 2q31.2.
Variant type: single nucleotide variant.
Coding change: c.61269A>T on transcript NM_001267550.2 (MANE Select); coding-DNA position 61269, A replaced by T.
Protein change: p.Lys20423Asn; replaces lysine 20423 with asparagine.
Molecular consequence: missense variant.
Genome position (GRCh38, 1-based): chr2:178,590,456, T>A on the plus strand (A>T on the coding strand, the complement: TTN is on the minus strand). VCF-style: chr2-178590456-T-A. GRCh37 (hg19) VCF-style: chr2-179455183-T-A.
Other names: c.56346A>T, p.Lys18782Asn (NM_001256850.1); c.34074A>T, p.Lys11358Asn (NM_003319.4); c.53565A>T, p.Lys17855Asn (NM_133378.4); c.34449A>T, p.Lys11483Asn (NM_133432.3); c.34650A>T, p.Lys11550Asn (NM_133437.4); short protein forms K11358N, K11483N, K11550N, K17855N, K18782N, K20423N.
Identifiers: ClinVar variation 4057044 (VCV004057044.1).